The following is an entry in ClinVar:

NM_001378120.1(MBD5):c.817C>T (p.Leu273Phe)

Gene: MBD5 (methyl-CpG binding domain protein 5; plus strand). Cytogenetic location: 2q23.1.
Variant type: single nucleotide variant.
Coding change: c.817C>T on transcript NM_001378120.1 (MANE Select); coding-DNA position 817, C replaced by T.
Protein change: p.Leu273Phe; replaces leucine 273 with phenylalanine.
Molecular consequence: missense variant.
Genome position (GRCh38, 1-based): chr2:148,468,760, C>T. VCF-style: chr2-148468760-C-T. GRCh37 (hg19) VCF-style: chr2-149226329-C-T.
Other names: c.817C>T (NM_018328.4); c.817C>T, p.Leu273Phe (NM_018328.5); short protein forms L273F.
Identifiers: ClinVar variation 1006870 (VCV001006870.10), dbSNP rs776894242, ClinGen allele CA1899928.

ClinVar aggregate classification (germline): Uncertain significance. Review status: criteria provided, multiple submitters, no conflicts (2 of 4 stars). 2 submissions from 2 submitters: Uncertain significance (2). Last evaluated 2026-03-30.

Conditions:
Intellectual developmental disorder, autosomal dominant 1. Also called: Intellectual disability, autosomal dominant 1; MBD5 Haploinsufficiency. Identifiers: Orphanet 228402, MedGen C1969562, MONDO:0007974, OMIM 156200.

Allele frequency attached by ClinVar (database versions not stated): ExAC 0.00001; gnomAD exomes 0.00001.

Submissions (2):

GeneDx
Classification: Uncertain significance. Last evaluated: 2026-03-30. Review status: criteria provided, single submitter. Criteria: GeneDx Variant Classification Process June 2021. Collection method: clinical testing. Allele origin: germline.
Comment: Not observed at significant frequency in large population cohorts (gnomAD); In silico analysis supports that this missense variant does not alter protein structure/function; Has not been previously published as pathogenic or benign to our knowledge

Labcorp Genetics (formerly Invitae), Labcorp
Classification: Uncertain significance for Intellectual developmental disorder, autosomal dominant 1. Last evaluated: 2023-09-22. Review status: criteria provided, single submitter. Criteria: Invitae Variant Classification Sherloc (09022015). Collection method: clinical testing. Allele origin: germline.
Comment: In summary, the available evidence is currently insufficient to determine the role of this variant in disease. Therefore, it has been classified as a Variant of Uncertain Significance. Advanced modeling of protein sequence and biophysical properties (such as structural, functional, and spatial information, amino acid conservation, physicochemical variation, residue mobility, and thermodynamic stability) performed at Invitae indicates that this missense variant is not expected to disrupt MBD5 protein function. ClinVar contains an entry for this variant (Variation ID: 1006870). This variant has not been reported in the literature in individuals affected with MBD5-related conditions. This variant is present in population databases (rs776894242, gnomAD 0.002%). This sequence change replaces leucine, which is neutral and non-polar, with phenylalanine, which is neutral and non-polar, at codon 273 of the MBD5 protein (p.Leu273Phe).